The following is an entry in ClinVar:

NM_025144.4(ALPK1):c.690G>A (p.Pro230=)

Gene: ALPK1 (alpha kinase 1; plus strand). Cytogenetic location: 4q25.
Variant type: single nucleotide variant.
Coding change: c.690G>A on transcript NM_025144.4 (MANE Select); coding-DNA position 690, G replaced by A.
Protein change: p.Pro230=; no amino-acid change (proline 230 retained).
Molecular consequence: synonymous variant.
Genome position (GRCh38, 1-based): chr4:112,426,534, G>A. VCF-style: chr4-112426534-G-A. GRCh37 (hg19) VCF-style: chr4-113347690-G-A.
Other names: c.690G>A, p.Pro230= (NM_001102406.2); c.456G>A, p.Pro152= (NM_001253884.2).
Identifiers: ClinVar variation 2133580 (VCV002133580.4), dbSNP rs764496273, ClinGen allele CA3046518.

ClinVar aggregate classification (germline): Uncertain significance (1 of 4 stars; one submission).

Allele frequency attached by ClinVar (database versions not stated): TOPMed 0.00001; ExAC 0.00002.
gnomAD v4.1: 20 of 1,569,580 alleles (0.0013%); highest among the groups gnomAD compares: South Asian, 0.0036%; no homozygotes.

Submission:

Labcorp Genetics (formerly Invitae), Labcorp
Classification: Uncertain significance. Last evaluated: 2023-12-19. Review status: criteria provided, single submitter. Criteria: Invitae Variant Classification Sherloc (09022015). Collection method: clinical testing. Allele origin: germline.
Comment: This sequence change affects codon 230 of the ALPK1 mRNA. It is a 'silent' change, meaning that it does not change the encoded amino acid sequence of the ALPK1 protein. The frequency data for this variant in the population databases is considered unreliable, as metrics indicate poor data quality at this position in the gnomAD database. This variant has not been reported in the literature in individuals affected with ALPK1-related conditions. ClinVar contains an entry for this variant (Variation ID: 2133580). Algorithms developed to predict the effect of sequence changes on RNA splicing suggest that this variant may disrupt the consensus splice site. In summary, the available evidence is currently insufficient to determine the role of this variant in disease. Therefore, it has been classified as a Variant of Uncertain Significance.